The following is an entry in ClinVar:

NM_005732.4(RAD50):c.3476A>G (p.Asp1159Gly)

Genes: RAD50 (RAD50 double strand break repair protein; plus strand), TH2LCRR (T helper type 2 locus control region associated RNA; minus strand), TH2-LCR (Th2 cytokine locus control region; plus strand). Cytogenetic location: 5q31.1.
Variant type: single nucleotide variant.
Coding change: c.3476A>G on transcript NM_005732.4 (MANE Select); coding-DNA position 3476, A replaced by G.
Protein change: p.Asp1159Gly; replaces aspartic acid 1159 with glycine.
Molecular consequence: missense variant. On other transcripts: non-coding transcript variant (2).
Genome position (GRCh38, 1-based): chr5:132,638,081, A>G. VCF-style: chr5-132638081-A-G. GRCh37 (hg19) VCF-style: chr5-131973773-A-G.
Other names: short protein forms D1159G.
Identifiers: ClinVar variation 1731782 (VCV001731782.6), dbSNP rs2479427369, ClinGen allele CA360930996.

ClinVar aggregate classification (germline): Uncertain significance. Review status: criteria provided, multiple submitters, no conflicts (2 of 4 stars). 2 submissions from 2 submitters: Uncertain significance (2). Last evaluated 2024-11-16.

Conditions:
Hereditary cancer-predisposing syndrome. Also called: Neoplastic Syndromes, Hereditary; Tumor predisposition; Hereditary Cancer Syndrome; Hereditary neoplastic syndrome. Identifiers: Orphanet 140162, MedGen C0027672, MeSH D009386, MONDO:0015356.

gnomAD v4.1: 6 of 1,614,028 alleles (0.00037%); highest among the groups gnomAD compares: Non-Finnish European, 0.00051%; no homozygotes.

Submissions (2):

Ambry Genetics
Classification: Uncertain significance for Hereditary cancer-predisposing syndrome. Last evaluated: 2024-11-16. Review status: criteria provided, single submitter. Criteria: Ambry Variant Classification Scheme 2023. Collection method: clinical testing. Allele origin: germline.
Comment: The p.D1159G variant (also known as c.3476A>G), located in coding exon 23 of the RAD50 gene, results from a A to G substitution at nucleotide position 3476. This variant impacts the first base pair of coding exon 23. The aspartic acid at codon 1159 is replaced by glycine, an amino acid with similar properties. This amino acid position is highly conserved in available vertebrate species. In addition, this alteration is predicted to be deleterious by in silico analysis. Since supporting evidence is limited at this time, the clinical significance of this alteration remains unclear.

Labcorp Genetics (formerly Invitae), Labcorp
Classification: Uncertain significance for Hereditary cancer-predisposing syndrome. Last evaluated: 2023-05-12. Review status: criteria provided, single submitter. Criteria: Invitae Variant Classification Sherloc (09022015). Collection method: clinical testing. Allele origin: germline.
Comment: In summary, the available evidence is currently insufficient to determine the role of this variant in disease. Therefore, it has been classified as a Variant of Uncertain Significance. An algorithm developed to predict the effect of missense changes on protein structure and function (PolyPhen-2) suggests that this variant is likely to be disruptive. ClinVar contains an entry for this variant (Variation ID: 1731782). This variant has not been reported in the literature in individuals affected with RAD50-related conditions. This variant is not present in population databases (gnomAD no frequency). This sequence change replaces aspartic acid, which is acidic and polar, with glycine, which is neutral and non-polar, at codon 1159 of the RAD50 protein (p.Asp1159Gly).